The following is an entry in ClinVar:

ClinVar aggregate classification (germline): Conflicting classifications of pathogenicity. Review status: criteria provided, conflicting classifications (1 of 4 stars). 2 submissions from 2 submitters: Uncertain significance (1); Likely benign (1). Last evaluated 2023-12-13.

Conditions:
Cataract 22 multiple types. Also called: CATARACT 22, NUCLEAR, AUTOSOMAL RECESSIVE; Cataract 22; CATARACT 22, MULTIPLE TYPES, AUTOSOMAL DOMINANT. Identifiers: Orphanet 91492, MedGen C1857853, MONDO:0012336, OMIM 609741.
Inborn genetic diseases. Identifiers: MedGen C0950123, MeSH D030342.

Allele frequency attached by ClinVar (database versions not stated): gnomAD exomes 0.00003; TOPMed 0.00003; ExAC 0.00009; gnomAD 0.00009; 1000 Genomes Project 30x 0.00016; 1000 Genomes Project 0.00020.
gnomAD v4.1: 71 of 1,614,180 alleles (0.0044%); highest among the groups gnomAD compares: South Asian, 0.024%; no homozygotes.

Submissions (2):

Labcorp Genetics (formerly Invitae), Labcorp
Classification: Uncertain significance for Cataract 22 multiple types. Last evaluated: 2023-12-13. Review status: criteria provided, single submitter. Criteria: Invitae Variant Classification Sherloc (09022015). Collection method: clinical testing. Allele origin: germline.
Comment: This sequence change replaces arginine, which is basic and polar, with histidine, which is basic and polar, at codon 96 of the CRYBB3 protein (p.Arg96His). This variant is present in population databases (rs113872601, gnomAD 0.03%). This variant has not been reported in the literature in individuals affected with CRYBB3-related conditions. Algorithms developed to predict the effect of missense changes on protein structure and function output the following: SIFT: "Not Available"; PolyPhen-2: "Benign"; Align-GVGD: "Not Available". The histidine amino acid residue is found in multiple mammalian species, which suggests that this missense change does not adversely affect protein function. In summary, the available evidence is currently insufficient to determine the role of this variant in disease. Therefore, it has been classified as a Variant of Uncertain Significance.

Ambry Genetics
Classification: Likely benign for Inborn genetic diseases. Last evaluated: 2021-11-15. Review status: criteria provided, single submitter. Criteria: Ambry Variant Classification Scheme 2023. Collection method: clinical testing. Allele origin: germline.

NM_004076.5(CRYBB3):c.287G>A (p.Arg96His)

Gene: CRYBB3 (crystallin beta B3; plus strand). Cytogenetic location: 22q11.23.
Variant type: single nucleotide variant.
Coding change: c.287G>A on transcript NM_004076.5 (MANE Select); coding-DNA position 287, G replaced by A.
Protein change: p.Arg96His; replaces arginine 96 with histidine.
Molecular consequence: missense variant.
Genome position (GRCh38, 1-based): chr22:25,203,855, G>A. VCF-style: chr22-25203855-G-A. GRCh37 (hg19) VCF-style: chr22-25599822-G-A.
Other names: c.287G>A (NM_004076.3); short protein forms R96H.
Identifiers: ClinVar variation 2819792 (VCV002819792.4), dbSNP rs113872601, ClinGen allele CA10157737.